The following is an entry in ClinVar:

ClinVar aggregate classification (germline): Uncertain significance (1 of 4 stars; one submission).

Allele frequency attached by ClinVar (database versions not stated): gnomAD exomes below 0.00001; gnomAD 0.00001.
gnomAD v4.1: 2 of 1,601,312 alleles (0.00012%); highest among the groups gnomAD compares: African/African-American, 0.0013%; no homozygotes.

Submission:

Labcorp Genetics (formerly Invitae), Labcorp
Classification: Uncertain significance. Last evaluated: 2026-01-15. Review status: criteria provided, single submitter. Criteria: Invitae Variant Classification Sherloc (09022015). Collection method: clinical testing. Allele origin: germline.
Comment: This sequence change replaces aspartic acid, which is acidic and polar, with asparagine, which is neutral and polar, at codon 42 of the ZIC1 protein (p.Asp42Asn). The frequency data for this variant in the population databases is considered unreliable, as metrics indicate poor data quality at this position in the gnomAD database. This variant has not been reported in the literature in individuals affected with ZIC1-related conditions. ClinVar contains an entry for this variant (Variation ID: 1061624). An algorithm developed to predict the effect of missense changes on protein structure and function (PolyPhen-2) suggests that this variant is likely to be disruptive. In summary, the available evidence is currently insufficient to determine the role of this variant in disease. Therefore, it has been classified as a Variant of Uncertain Significance.

NM_003412.4(ZIC1):c.124G>A (p.Asp42Asn)

Gene: ZIC1 (Zic family zinc finger 1; plus strand). Cytogenetic location: 3q24.
Variant type: single nucleotide variant.
Coding change: c.124G>A on transcript NM_003412.4 (MANE Select); coding-DNA position 124, G replaced by A.
Protein change: p.Asp42Asn; replaces aspartic acid 42 with asparagine.
Molecular consequence: missense variant.
Genome position (GRCh38, 1-based): chr3:147,410,236, G>A. VCF-style: chr3-147410236-G-A. GRCh37 (hg19) VCF-style: chr3-147128023-G-A.
Other names: short protein forms D42N.
Identifiers: ClinVar variation 1061624 (VCV001061624.9), dbSNP rs1291218062, ClinGen allele CA354895966.